The following is an entry in ClinVar:

ClinVar aggregate classification (germline): Uncertain significance (1 of 4 stars; one submission).

Conditions:
Deficiency of adenosine deaminase 2. Also called: Polyarteritis nodosa, childhoood-onset; Adenosine Deaminase 2 Deficiency; VASCULITIS, AUTOINFLAMMATION, IMMUNODEFICIENCY, AND HEMATOLOGIC DEFECTS SYNDROME. Identifiers: Orphanet 404553, MedGen C3887654, MONDO:0014306, OMIM 615688, MONDO:0100317.

Submission:

Labcorp Genetics (formerly Invitae), Labcorp
Classification: Uncertain significance for Deficiency of adenosine deaminase 2. Last evaluated: 2022-10-10. Review status: criteria provided, single submitter. Criteria: Invitae Variant Classification Sherloc (09022015). Collection method: clinical testing. Allele origin: germline.
Comment: In summary, the available evidence is currently insufficient to determine the role of this variant in disease. Therefore, it has been classified as a Variant of Uncertain Significance. Advanced modeling of protein sequence and biophysical properties (such as structural, functional, and spatial information, amino acid conservation, physicochemical variation, residue mobility, and thermodynamic stability) has been performed at Invitae for this missense variant, however the output from this modeling did not meet the statistical confidence thresholds required to predict the impact of this variant on ADA2 protein function. ClinVar contains an entry for this variant (Variation ID: 1034858). This missense change has been observed in individual(s) with ADA2 deficiency (PMID: 27514238). This variant is not present in population databases (gnomAD no frequency). This sequence change replaces leucine, which is neutral and non-polar, with phenylalanine, which is neutral and non-polar, at codon 451 of the ADA2 protein (p.Leu451Phe).

Literature cited by the submitters: PubMed 27514238.

NM_001282225.2(ADA2):c.1353G>T (p.Leu451Phe)

Gene: ADA2 (adenosine deaminase 2; minus strand). Cytogenetic location: 22q11.1.
Variant type: single nucleotide variant.
Coding change: c.1353G>T on transcript NM_001282225.2 (MANE Select); coding-DNA position 1353, G replaced by T.
Protein change: p.Leu451Phe; replaces leucine 451 with phenylalanine.
Molecular consequence: missense variant.
Genome position (GRCh38, 1-based): chr22:17,181,909, C>A on the plus strand (G>T on the coding strand, the complement: ADA2 is on the minus strand). VCF-style: chr22-17181909-C-A. GRCh37 (hg19) VCF-style: chr22-17662799-C-A.
Other names: c.1353G>T, p.Leu451Phe (NM_001282226.2); c.1227G>T, p.Leu409Phe (NM_001282227.2, NM_001282228.2); c.993G>T, p.Leu331Phe (NM_001282229.2); c.630G>T, p.Leu210Phe (NM_177405.3); short protein forms L331F, L210F, L451F, L409F.
Identifiers: ClinVar variation 1034858 (VCV001034858.7), dbSNP rs2061973897, ClinGen allele CA410231800.